The following is an entry in ClinVar:

NM_004937.3(CTNS):c.514G>T (p.Ala172Ser)

Genes: CTNS (cystinosin, lysosomal cystine transporter; plus strand), CTNS-AS1 (CTNS antisense RNA 1; minus strand). Cytogenetic location: 17p13.2.
Variant type: single nucleotide variant.
Coding change: c.514G>T on transcript NM_004937.3 (MANE Select); coding-DNA position 514, G replaced by T.
Protein change: p.Ala172Ser; replaces alanine 172 with serine.
Molecular consequence: missense variant.
Genome position (GRCh38, 1-based): chr17:3,656,539, G>T. VCF-style: chr17-3656539-G-T. GRCh37 (hg19) VCF-style: chr17-3559833-G-T.
Other names: c.514G>T, p.Ala172Ser (NM_001031681.3, NM_001374492.1); c.73G>T, p.Ala25Ser (NM_001374493.1, NM_001374494.1, NM_001374495.1 and 1 more transcripts); short protein forms A25S, A172S.
Identifiers: ClinVar variation 2160029 (VCV002160029.1), dbSNP rs907916051, ClinGen allele CA287017492.
Genomic context (GRCh38, chr17:3,656,539, plus strand): 5'-CCCTGCAGTGTCATTGGTCTGAGCTTCGACTTCGTGGCTCTGAACCTGACGGGCTTCGTG[G>T]CCTACAGTGTATTCAACATCGGCCTCCTCTGGGTGCCCTACATCAAGGTACGGCCTTGCC-3'
Protein context (NP_004928.2, residues 162-182): FVALNLTGFV[Ala172Ser]YSVFNIGLLW

ClinVar aggregate classification (germline): Uncertain significance (1 of 4 stars; one submission).

Conditions:
Inborn genetic diseases. Identifiers: MedGen C0950123, MeSH D030342.
Ocular cystinosis. Also called: Non-Nephropathic Cystinosis; Non-Nephropathic (Ocular) Cystinosis. Identifiers: Orphanet 213, Orphanet 411641, MedGen C2931013, MONDO:0009064, OMIM 219750.
Juvenile nephropathic cystinosis. Also called: Intermediate Cystinosis; CYSTINOSIS, LATE-ONSET JUVENILE OR ADOLESCENT NEPHROPATHIC TYPE; Later-Onset (Juvenile) Cystinosis. Identifiers: Orphanet 213, Orphanet 411634, MedGen C0268626, MONDO:0009066, OMIM 219900.

Allele frequency attached by ClinVar (database versions not stated): gnomAD 0.00001; TOPMed 0.00006.
gnomAD v4.1: 3 of 1,608,598 alleles (0.00019%); highest among the groups gnomAD compares: Admixed American, 0.0017%; no homozygotes.

Submission:

Labcorp Genetics (formerly Invitae), Labcorp
Classification: Uncertain significance for Inborn genetic diseases; Ocular cystinosis; Juvenile nephropathic cystinosis. Last evaluated: 2022-07-21. Review status: criteria provided, single submitter. Criteria: Invitae Variant Classification Sherloc (09022015). Collection method: clinical testing. Allele origin: germline.
Comment: This sequence change replaces alanine, which is neutral and non-polar, with serine, which is neutral and polar, at codon 172 of the CTNS protein (p.Ala172Ser). This variant is not present in population databases (gnomAD no frequency). This variant has not been reported in the literature in individuals affected with CTNS-related conditions. Algorithms developed to predict the effect of missense changes on protein structure and function are either unavailable or do not agree on the potential impact of this missense change (SIFT: "Tolerated"; PolyPhen-2: "Possibly Damaging"; Align-GVGD: "Class C0"). Algorithms developed to predict the effect of sequence changes on RNA splicing suggest that this variant may create or strengthen a splice site. In summary, the available evidence is currently insufficient to determine the role of this variant in disease. Therefore, it has been classified as a Variant of Uncertain Significance.